The following is an entry in ClinVar:

NM_138697.4(TAS1R1):c.1807C>T (p.Arg603Cys)

Gene: TAS1R1 (taste 1 receptor member 1; plus strand). Cytogenetic location: 1p36.31.
Variant type: single nucleotide variant.
Coding change: c.1807C>T on transcript NM_138697.4 (MANE Select); coding-DNA position 1807, C replaced by T.
Protein change: p.Arg603Cys; replaces arginine 603 with cysteine.
Molecular consequence: missense variant.
Genome position (GRCh38, 1-based): chr1:6,578,865, C>T. VCF-style: chr1-6578865-C-T. GRCh37 (hg19) VCF-style: chr1-6638925-C-T.
Other names: c.1045C>T, p.Arg349Cys (NM_177540.3); short protein forms R349C, R603C.
Identifiers: ClinVar variation 767648 (VCV000767648.22), dbSNP rs41278022, ClinGen allele CA563258.

ClinVar aggregate classification (germline): Benign/Likely benign. Review status: criteria provided, multiple submitters, no conflicts (2 of 4 stars). 3 submissions from 3 submitters: Benign (2); Likely benign (1). Last evaluated 2025-07-01.

Allele frequency attached by ClinVar (database versions not stated): 1000 Genomes Project 30x 0.00187; 1000 Genomes Project 0.00200; TOPMed 0.00473; ESP Exome Variant Server 0.00492; gnomAD 0.00560 and 0.00582; gnomAD exomes 0.00611 and 0.00751; ExAC 0.00631.
gnomAD v4.1: 11,660 of 1,608,798 alleles (0.72%); highest among the groups gnomAD compares: Non-Finnish European, 0.86%; 66 homozygotes.

Submissions (3):

CeGaT Center for Human Genetics Tuebingen
Classification: Likely benign. Last evaluated: 2025-07-01. Review status: criteria provided, single submitter. Criteria: CeGaT Center For Human Genetics Tuebingen Variant Classification Criteria Version 2. Collection method: clinical testing. Allele origin: germline. Affected: yes. Observed: 2 variant alleles.
Comment: TAS1R1: BS2

Labcorp Genetics (formerly Invitae), Labcorp
Classification: Benign. Last evaluated: 2018-05-18. Review status: criteria provided, single submitter. Criteria: Invitae Variant Classification Sherloc (09022015). Collection method: clinical testing. Allele origin: germline.

Breakthrough Genomics
Classification: Benign. Review status: criteria provided, single submitter. Criteria: ACMG Guidelines, 2015. Collection method: not provided. Allele origin: germline. Inheritance: Unknown mechanism. Affected: yes.